The following is an entry in ClinVar:

ClinVar aggregate classification (germline): Uncertain significance (1 of 4 stars; one submission).

gnomAD v4.1: 1 of 1,551,714 alleles (0.000064%); highest among the groups gnomAD compares: Non-Finnish European, 0.000087%; no homozygotes.

Submission:

Labcorp Genetics (formerly Invitae), Labcorp
Classification: Uncertain significance. Last evaluated: 2025-11-24. Review status: criteria provided, single submitter. Criteria: Invitae Variant Classification Sherloc (09022015). Collection method: clinical testing. Allele origin: germline.
Comment: This sequence change replaces glutamic acid, which is acidic and polar, with glycine, which is neutral and non-polar, at codon 1933 of the TET2 protein (p.Glu1933Gly). This variant is not present in population databases (gnomAD no frequency). This variant has not been reported in the literature in individuals affected with TET2-related conditions. ClinVar contains an entry for this variant (Variation ID: 2127938). An algorithm developed to predict the effect of missense changes on protein structure and function outputs the following: PolyPhen-2: "Benign". The glycine amino acid residue is found in multiple mammalian species, which suggests that this missense change does not adversely affect protein function. In summary, the available evidence is currently insufficient to determine the role of this variant in disease. Therefore, it has been classified as a Variant of Uncertain Significance.

NM_001127208.3(TET2):c.5798A>G (p.Glu1933Gly)

Genes: TET2 (tet methylcytosine dioxygenase 2; plus strand), TET2-AS1 (TET2 antisense RNA 1; minus strand). Cytogenetic location: 4q24.
Variant type: single nucleotide variant.
Coding change: c.5798A>G on transcript NM_001127208.3 (MANE Select); coding-DNA position 5798, A replaced by G.
Protein change: p.Glu1933Gly; replaces glutamic acid 1933 with glycine.
Molecular consequence: missense variant.
Genome position (GRCh38, 1-based): chr4:105,276,308, A>G. VCF-style: chr4-105276308-A-G. GRCh37 (hg19) VCF-style: chr4-106197465-A-G.
Other names: short protein forms E1933G.
Identifiers: ClinVar variation 2127938 (VCV002127938.4), dbSNP rs2476754671, ClinGen allele CA357796595.